The following is an entry in ClinVar:

ClinVar aggregate classification (germline): Pathogenic. Review status: criteria provided, multiple submitters, no conflicts (2 of 4 stars). 2 submissions from 2 submitters: Pathogenic (2). Last evaluated 2024-06-01.

Conditions:
Fanconi anemia complementation group E (FANCE). Also called: FANCE-Related Fanconi Anemia. Identifiers: Orphanet 84, MedGen C3160739, MONDO:0010953, OMIM 600901.

Submissions (2):

CeGaT Center for Human Genetics Tuebingen
Classification: Pathogenic. Last evaluated: 2024-06-01. Review status: criteria provided, single submitter. Criteria: CeGaT Center For Human Genetics Tuebingen Variant Classification Criteria Version 2. Collection method: clinical testing. Allele origin: germline. Affected: yes. Observed: 1 variant allele.
Comment: FANCE: PVS1, PM2

Labcorp Genetics (formerly Invitae), Labcorp
Classification: Pathogenic for Fanconi anemia complementation group E. Last evaluated: 2020-08-19. Review status: criteria provided, single submitter. Criteria: Invitae Variant Classification Sherloc (09022015). Collection method: clinical testing. Allele origin: germline.
Comment: Loss-of-function variants in FANCE are known to be pathogenic (PMID: 11001585, 17924555). This variant has not been reported in the literature in individuals with FANCE-related conditions. This variant is not present in population databases (ExAC no frequency). This sequence change creates a premature translational stop signal (p.Arg381Cysfs*6) in the FANCE gene. It is expected to result in an absent or disrupted protein product. For these reasons, this variant has been classified as Pathogenic.

Literature cited by the submitters: PubMed 11001585 (cited by Labcorp Genetics (formerly Invitae), Labcorp); PubMed 17924555 (cited by Labcorp Genetics (formerly Invitae), Labcorp).

NM_021922.3(FANCE):c.1141_1144del (p.Arg381fs)

Gene: FANCE (FA complementation group E; plus strand). Cytogenetic location: 6p21.31.
Variant type: Deletion.
Coding change: c.1141_1144del on transcript NM_021922.3 (MANE Select); coding-DNA positions 1141 to 1144, 4 bases deleted (CGCC; older notation c.1141_1144delCGCC).
Protein change: p.Arg381fs; shifts the reading frame from arginine 381.
Molecular consequence: frameshift variant.
Genome position (GRCh38, 1-based): chr6:35,459,358-35,459,361, CGCC deleted; deleting any 4 consecutive bases within chr6:35,459,356-35,459,361 gives the same sequence; the c. name uses the placement nearest the transcript's 3' end. VCF-style (leftmost placement, unchanged base first): chr6-35459355-TCCCG-T. GRCh37 (hg19) VCF-style: chr6-35427132-TCCCG-T.
Other names: short protein forms R381fs.
Identifiers: ClinVar variation 1076390 (VCV001076390.25), dbSNP rs2150896309, ClinGen allele CA2499218236.